The following is an entry in ClinVar:

ClinVar aggregate classification (germline): Pathogenic. Review status: criteria provided, multiple submitters, no conflicts (2 of 4 stars). 3 submissions from 3 submitters: Pathogenic (3). Last evaluated 2024-03-06.

Conditions:
Familial adenomatous polyposis 1 (FAP1). Also called: FAMILIAL ADENOMATOUS POLYPOSIS 1, ATTENUATED; POLYPOSIS, ADENOMATOUS INTESTINAL. Identifiers: MedGen C2713442, MONDO:0021056, OMIM 175100. Disease mechanism: loss of function.

Submissions (3):

Labcorp Genetics (formerly Invitae), Labcorp
Classification: Pathogenic for Familial adenomatous polyposis 1. Last evaluated: 2024-03-06. Review status: criteria provided, single submitter. Criteria: Invitae Variant Classification Sherloc (09022015). Collection method: clinical testing. Allele origin: germline.
Comment: This sequence change creates a premature translational stop signal (p.Leu629*) in the APC gene. It is expected to result in an absent or disrupted protein product. Loss-of-function variants in APC are known to be pathogenic (PMID: 17963004, 20685668). This variant is not present in population databases (gnomAD no frequency). This premature translational stop signal has been observed in individual(s) with familial adenomatous polyposis (PMID: 9101302). ClinVar contains an entry for this variant (Variation ID: 584664). Algorithms developed to predict the effect of sequence changes on RNA splicing suggest that this variant may disrupt the consensus splice site. For these reasons, this variant has been classified as Pathogenic.

Myriad Genetics, Inc.
Classification: Pathogenic for Familial adenomatous polyposis 1. Last evaluated: 2023-05-03. Review status: criteria provided, single submitter. Criteria: Myriad Autosomal Dominant, Autosomal Recessive and X-Linked Classification Criteria (2023). Collection method: clinical testing. Allele origin: unknown.
Comment: This variant is considered pathogenic. This variant creates a termination codon and is predicted to result in premature protein truncation.

Mendelics
Classification: Pathogenic for Familial adenomatous polyposis 1. Last evaluated: 2018-07-02. Review status: criteria provided, single submitter. Criteria: Mendelics Assertion Criteria 2017. Collection method: clinical testing. Allele origin: unknown.

Literature cited by the submitters: PubMed 17963004 (cited by Labcorp Genetics (formerly Invitae), Labcorp); PubMed 20685668 (cited by Labcorp Genetics (formerly Invitae), Labcorp); PubMed 9101302 (cited by Labcorp Genetics (formerly Invitae), Labcorp).

NM_000038.6(APC):c.1886T>A (p.Leu629Ter)

Gene: APC (APC regulator of Wnt signaling pathway; plus strand). Cytogenetic location: 5q22.2.
Variant type: single nucleotide variant.
Coding change: c.1886T>A on transcript NM_000038.6 (MANE Select); coding-DNA position 1886, T replaced by A.
Protein change: p.Leu629Ter; replaces leucine 629 with a stop codon.
Molecular consequence: nonsense.
Genome position (GRCh38, 1-based): chr5:112,835,093, T>A. VCF-style: chr5-112835093-T-A. GRCh37 (hg19) VCF-style: chr5-112170790-T-A.
Other names: c.1886T>A, p.Leu629Ter (NM_001127510.3, NM_001354895.2); c.1832T>A, p.Leu611Ter (NM_001127511.3); c.1940T>A, p.Leu647Ter (NM_001354896.2); c.1916T>A, p.Leu639Ter (NM_001354897.2); c.1811T>A, p.Leu604Ter (NM_001354898.2); c.1802T>A, p.Leu601Ter (NM_001354899.2); c.1763T>A, p.Leu588Ter (NM_001354900.2); c.1709T>A, p.Leu570Ter (NM_001354901.2); and 5 more; short protein forms L611*, L629*, L346*, L503*, L588*, L604*, L639*, L469*.
Identifiers: ClinVar variation 584664 (VCV000584664.7), dbSNP rs1019221239, ClinGen allele CA16025441.
Genomic context (GRCh38, chr5:112,835,093, plus strand): 5'-TAGATGGTGCACTTGCATTTTTGGTTGGCACTCTTACTTACCGGAGCCAGACAAACACTT[T>A]AGCCATTATTGAAAGTGGAGGTGGGATATTACGGAATGTGTCCAGCTTGATAGCTACAAA-3'